The following is an entry in ClinVar:

NM_020366.4(RPGRIP1):c.3726dup (p.Ile1243fs)

Gene: RPGRIP1 (RPGR interacting protein 1; plus strand). Cytogenetic location: 14q11.2.
Variant type: Duplication.
Coding change: c.3726dup on transcript NM_020366.4 (MANE Select); coding-DNA position 3726, one base duplicated (T; older notation c.3726dupT).
Protein change: p.Ile1243fs; shifts the reading frame from isoleucine 1243.
Molecular consequence: frameshift variant.
Genome position (GRCh38, 1-based): chr14:21,348,280, T duplicated. VCF-style (leftmost placement, unchanged base first): chr14-21348279-A-AT. GRCh37 (hg19) VCF-style: chr14-21816438-A-AT.
Other names: c.1704dup, p.Ile569fs (NM_001377523.1, NM_001377950.1); c.2652dup, p.Ile885fs (NM_001377948.1); c.1812dup, p.Ile605fs (NM_001377949.1); c.1209dup, p.Ile404fs (NM_001377951.1); short protein forms I1243fs, I605fs, I885fs, I569fs, I404fs.
Identifiers: ClinVar variation 2134501 (VCV002134501.4), dbSNP rs2502981606, ClinGen allele CA2580087816.

ClinVar aggregate classification (germline): Pathogenic (1 of 4 stars; one submission).

Conditions:
Leber congenital amaurosis 6 (LCA6). Identifiers: Orphanet 65, MedGen C1854260, MONDO:0013446, OMIM 613826.
Cone-rod dystrophy 13 (CORD13). Identifiers: Orphanet 1872, MedGen C2750720, MONDO:0011987, OMIM 608194.

Submission:

Labcorp Genetics (formerly Invitae), Labcorp
Classification: Pathogenic for Leber congenital amaurosis 6; Cone-rod dystrophy 13. Last evaluated: 2025-09-08. Review status: criteria provided, single submitter. Criteria: Invitae Variant Classification Sherloc (09022015). Collection method: clinical testing. Allele origin: germline.
Comment: This sequence change creates a premature translational stop signal (p.Ile1243Tyrfs*10) in the RPGRIP1 gene. While this is not anticipated to result in nonsense mediated decay, it is expected to disrupt the last 44 amino acid(s) of the RPGRIP1 protein. This variant is not present in population databases (gnomAD no frequency). This variant has not been reported in the literature in individuals affected with RPGRIP1-related conditions. ClinVar contains an entry for this variant (Variation ID: 2134501). This variant disrupts a region of the RPGRIP1 protein in which other variant(s) (Deletion (Exon 24)) have been determined to be pathogenic (internal data). This suggests that this is a clinically significant region of the protein, and that variants that disrupt it are likely to be disease-causing. For these reasons, this variant has been classified as Pathogenic.